The following is an entry in ClinVar:

NM_000843.4(GRM6):c.1640G>A (p.Arg547His)

Genes: GRM6 (glutamate metabotropic receptor 6; minus strand), ZNF454 (zinc finger protein 454; plus strand). Cytogenetic location: 5q35.3.
Variant type: single nucleotide variant.
Coding change: c.1640G>A on transcript NM_000843.4 (MANE Select); coding-DNA position 1640, G replaced by A.
Protein change: p.Arg547His; replaces arginine 547 with histidine.
Molecular consequence: missense variant.
Genome position (GRCh38, 1-based): chr5:178,986,614, C>T on the plus strand (G>A on the coding strand, the complement: GRM6 is on the minus strand). VCF-style: chr5-178986614-C-T. GRCh37 (hg19) VCF-style: chr5-178413615-C-T.
Other names: short protein forms R547H.
Identifiers: ClinVar variation 998420 (VCV000998420.4), dbSNP rs776575798, ClinGen allele CA3593969.
Genomic context (GRCh38, chr5:178,986,614, plus strand): 5'-TTGGGCGTGGGCCTCATGTCCCCAGGACAGGCCTCGCATGTGAACTCGTCCACCTGGAAG[C>T]GGTACCCGTCACAGGCCTCGCAGTGCCAACAGCAGGGGACGCCCTTCACCATCTTCTTCC-3'
Protein context (NP_000834.2, residues 537-557): CWHCEACDGY[Arg547His]FQVDEFTCEA

ClinVar aggregate classification (germline): Uncertain significance (1 of 4 stars; one submission).

Allele frequency attached by ClinVar (database versions not stated): TOPMed 0.00002; gnomAD exomes 0.00007; ExAC 0.00009.
gnomAD v4.1: 66 of 1,603,494 alleles (0.0041%); highest among the groups gnomAD compares: Admixed American, 0.012%; no homozygotes.

Submission:

Labcorp Genetics (formerly Invitae), Labcorp
Classification: Uncertain significance. Last evaluated: 2022-02-24. Review status: criteria provided, single submitter. Criteria: Invitae Variant Classification Sherloc (09022015). Collection method: clinical testing. Allele origin: germline.
Comment: This sequence change replaces arginine, which is basic and polar, with histidine, which is basic and polar, at codon 547 of the GRM6 protein (p.Arg547His). This variant is present in population databases (rs776575798, gnomAD 0.02%). This variant has not been reported in the literature in individuals affected with GRM6-related conditions. ClinVar contains an entry for this variant (Variation ID: 998420). Advanced modeling of protein sequence and biophysical properties (such as structural, functional, and spatial information, amino acid conservation, physicochemical variation, residue mobility, and thermodynamic stability) performed at Invitae indicates that this missense variant is not expected to disrupt GRM6 protein function. In summary, the available evidence is currently insufficient to determine the role of this variant in disease. Therefore, it has been classified as a Variant of Uncertain Significance.